The following is an entry in ClinVar:

NM_020433.5(JPH2):c.617C>T (p.Ala206Val)

Gene: JPH2 (junctophilin 2; minus strand). Cytogenetic location: 20q13.12.
Variant type: single nucleotide variant.
Coding change: c.617C>T on transcript NM_020433.5 (MANE Select); coding-DNA position 617, C replaced by T.
Protein change: p.Ala206Val; replaces alanine 206 with valine.
Molecular consequence: missense variant.
Genome position (GRCh38, 1-based): chr20:44,160,170, G>A on the plus strand (C>T on the coding strand, the complement: JPH2 is on the minus strand). VCF-style: chr20-44160170-G-A. GRCh37 (hg19) VCF-style: chr20-42788810-G-A.
Other names: short protein forms A206V.
Identifiers: ClinVar variation 2010879 (VCV002010879.4), dbSNP rs2515745014, ClinGen allele CA409094022.

ClinVar aggregate classification (germline): Uncertain significance (1 of 4 stars; one submission).

Conditions:
Hypertrophic cardiomyopathy. Also called: HYPERTROPHIC MYOCARDIOPATHY. Identifiers: Orphanet 217569, MedGen C0007194, MeSH D002312, MONDO:0005045, HP:0001639.

Submission:

Labcorp Genetics (formerly Invitae), Labcorp
Classification: Uncertain significance for Hypertrophic cardiomyopathy. Last evaluated: 2022-06-26. Review status: criteria provided, single submitter. Criteria: Invitae Variant Classification Sherloc (09022015). Collection method: clinical testing. Allele origin: germline.
Comment: In summary, the available evidence is currently insufficient to determine the role of this variant in disease. Therefore, it has been classified as a Variant of Uncertain Significance. Algorithms developed to predict the effect of missense changes on protein structure and function (SIFT, PolyPhen-2, Align-GVGD) all suggest that this variant is likely to be tolerated. This sequence change replaces alanine, which is neutral and non-polar, with valine, which is neutral and non-polar, at codon 206 of the JPH2 protein (p.Ala206Val). This variant is not present in population databases (gnomAD no frequency). This variant has not been reported in the literature in individuals affected with JPH2-related conditions.